The following is an entry in ClinVar:

ClinVar aggregate classification (germline): Uncertain significance. Review status: criteria provided, multiple submitters, no conflicts (2 of 4 stars). 2 submissions from 2 submitters: Uncertain significance (2). Last evaluated 2025-08-24.

gnomAD v4.1: 16 of 1,574,588 alleles (0.001%); highest among the groups gnomAD compares: East Asian, 0.016%; no homozygotes.

Submissions (2):

Labcorp Genetics (formerly Invitae), Labcorp
Classification: Uncertain significance. Last evaluated: 2025-08-24. Review status: criteria provided, single submitter. Criteria: Invitae Variant Classification Sherloc (09022015). Collection method: clinical testing. Allele origin: germline.
Comment: This sequence change replaces alanine, which is neutral and non-polar, with aspartic acid, which is acidic and polar, at codon 499 of the ACAN protein (p.Ala499Asp). The frequency data for this variant in the population databases is considered unreliable, as metrics indicate poor data quality at this position in the gnomAD database. This variant has not been reported in the literature in individuals affected with ACAN-related conditions. ClinVar contains an entry for this variant (Variation ID: 1387068). Invitae Evidence Modeling of protein sequence and biophysical properties (such as structural, functional, and spatial information, amino acid conservation, physicochemical variation, residue mobility, and thermodynamic stability) indicates that this missense variant is not expected to disrupt ACAN protein function with a negative predictive value of 80%. In summary, the available evidence is currently insufficient to determine the role of this variant in disease. Therefore, it has been classified as a Variant of Uncertain Significance.

Women's Health and Genetics/Laboratory Corporation of America, LabCorp
Classification: Uncertain significance. Last evaluated: 2024-11-22. Review status: criteria provided, single submitter. Criteria: LabCorp Variant Classification Summary - May 2015. Collection method: clinical testing. Allele origin: germline.
Comment: Variant summary: ACAN c.1496C>A (p.Ala499Asp) results in a non-conservative amino acid change in the encoded protein sequence. Four of five in-silico tools predict a damaging effect of the variant on protein function. The variant allele was found at a frequency of 1.1e-05 in 186828 control chromosomes. The available data on variant occurrences in the general population are insufficient to allow any conclusion about variant significance. To our knowledge, no occurrence of c.1496C>A in individuals affected with ACAN-Related Disorders and no experimental evidence demonstrating its impact on protein function have been reported. ClinVar contains an entry for this variant (Variation ID: 1387068). Based on the evidence outlined above, the variant was classified as uncertain significance.

NM_001369268.1(ACAN):c.1496C>A (p.Ala499Asp)

Gene: ACAN (aggrecan; plus strand). Cytogenetic location: 15q26.1.
Variant type: single nucleotide variant.
Coding change: c.1496C>A on transcript NM_001369268.1 (MANE Select); coding-DNA position 1496, C replaced by A.
Protein change: p.Ala499Asp; replaces alanine 499 with aspartic acid.
Molecular consequence: missense variant.
Genome position (GRCh38, 1-based): chr15:88,847,309, C>A. VCF-style: chr15-88847309-C-A. GRCh37 (hg19) VCF-style: chr15-89390540-C-A.
Other names: c.1496C>A, p.Ala499Asp (NM_001135.4, NM_013227.4); short protein forms A499D.
Identifiers: ClinVar variation 1387068 (VCV001387068.8), dbSNP rs757190295, ClinGen allele CA393710637.